The following is an entry in ClinVar:

NM_000465.4(BARD1):c.535_536del (p.Ser179fs)

Gene: BARD1 (BRCA1 associated RING domain 1; minus strand). Cytogenetic location: 2q35.
Variant type: Deletion.
Coding change: c.535_536del on transcript NM_000465.4 (MANE Select); coding-DNA positions 535 to 536, 2 bases deleted (TC; older notation c.535_536delTC).
Protein change: p.Ser179fs; shifts the reading frame from serine 179.
Molecular consequence: frameshift variant. On other transcripts: non-coding transcript variant (2), intron variant (3).
Genome position (GRCh38, 1-based): chr2:214,781,338-214,781,339, GA deleted on the plus strand (TC on the coding strand, the reverse complement: BARD1 is on the minus strand); deleting any 2 consecutive bases within chr2:214,781,338-214,781,340 gives the same sequence; the c. name uses the placement nearest the transcript's 3' end. VCF-style (leftmost placement, unchanged base first): chr2-214781337-TGA-T. GRCh37 (hg19) VCF-style: chr2-215646061-TGA-T.
Other names: c.478_479del, p.Ser160fs (NM_001282543.2); c.158+28073_158+28074del (NM_001282548.2); c.215+15722_215+15723del (NM_001282545.2); c.364+10958_364+10959del (NM_001282549.2); short protein forms S160fs, S179fs.
Identifiers: ClinVar variation 920974 (VCV000920974.3), dbSNP rs1695020358, ClinGen allele CA913188030.

ClinVar aggregate classification (germline): Pathogenic (1 of 4 stars; one submission).

Conditions:
Hereditary cancer-predisposing syndrome. Also called: Neoplastic Syndromes, Hereditary; Tumor predisposition; Hereditary Cancer Syndrome; Hereditary neoplastic syndrome. Identifiers: Orphanet 140162, MedGen C0027672, MeSH D009386, MONDO:0015356.

Submission:

Color Diagnostics, LLC DBA Color Health
Classification: Pathogenic for Hereditary cancer-predisposing syndrome. Last evaluated: 2020-01-15. Review status: criteria provided, single submitter. Criteria: ACMG Guidelines, 2015. Collection method: clinical testing. Allele origin: germline.
Comment: This variant deletes 2 nucleotides in exon 4 of the BARD1 gene, creating a frameshift and premature translation stop signal. This variant is expected to result in an absent or non-functional protein product. This variant has not been identified in the general population by the Genome Aggregation Database (gnomAD). Loss of BARD1 function is a known mechanism of disease. Based on the available evidence, this variant is classified as Pathogenic.